The following is an entry in ClinVar:

NM_000038.6(APC):c.6796dup (p.Thr2266fs)

Gene: APC (APC regulator of Wnt signaling pathway; plus strand). Cytogenetic location: 5q22.2.
Variant type: Duplication.
Coding change: c.6796dup on transcript NM_000038.6 (MANE Select); coding-DNA position 6796, one base duplicated (A; older notation c.6796dupA).
Protein change: p.Thr2266fs; shifts the reading frame from threonine 2266.
Molecular consequence: frameshift variant. On other transcripts: non-coding transcript variant (2).
Genome position (GRCh38, 1-based): chr5:112,842,390, A duplicated; the last of 3 consecutive A bases (chr5:112,842,388-112,842,390); duplicating any one gives the same sequence. VCF-style (leftmost placement, unchanged base first): chr5-112842387-C-CA. GRCh37 (hg19) VCF-style: chr5-112178084-C-CA.
Other names: c.6796dup, p.Thr2266fs (NM_001127510.3, NM_001354895.2, NM_001407450.1); c.6742dup, p.Thr2248fs (NM_001127511.3); c.6850dup, p.Thr2284fs (NM_001354896.2, NM_001407447.1, NM_001407448.1 and 1 more transcripts); c.6826dup, p.Thr2276fs (NM_001354897.2); c.6721dup, p.Thr2241fs (NM_001354898.2); c.6712dup, p.Thr2238fs (NM_001354899.2); c.6673dup, p.Thr2225fs (NM_001354900.2); c.6619dup, p.Thr2207fs (NM_001354901.2, NM_001407453.1); and 11 more; short protein forms T1882fs, T1983fs, T2106fs, T2137fs, T2140fs, T2165fs, T2175fs, T2183fs.
Identifiers: ClinVar variation 2583345 (VCV002583345.1), dbSNP rs2533744160, ClinGen allele CA2582341616.
Genomic context (GRCh38, chr5:112,842,387, plus strand): 5'-CCTGTTTCTAAAAAAGGCCCACCCCTTAAGACTCCAGCCTCCAAAAGCCCTAGTGAAGGT[C>CA]AAACAGCCACCACTTCTCCTAGAGGAGCCAAGCCATCTGTGAAATCAGAATTAAGCCCTG-3'

ClinVar aggregate classification (germline): Pathogenic (1 of 4 stars; one submission).

Conditions:
Familial adenomatous polyposis 1 (FAP1). Also called: POLYPOSIS, ADENOMATOUS INTESTINAL; FAMILIAL ADENOMATOUS POLYPOSIS 1, ATTENUATED. Identifiers: MedGen C2713442, MONDO:0021056, OMIM 175100. Disease mechanism: loss of function.

Submission:

Myriad Genetics, Inc.
Classification: Pathogenic for Familial adenomatous polyposis 1. Last evaluated: 2023-05-16. Review status: criteria provided, single submitter. Criteria: Myriad Autosomal Dominant, Autosomal Recessive and X-Linked Classification Criteria (2023). Collection method: clinical testing. Allele origin: unknown.
Comment: This variant is considered pathogenic. This variant creates a frameshift predicted to result in premature protein truncation.